The following is an entry in ClinVar:

NM_000487.6(ARSA):c.854+1dup

Gene: ARSA (arylsulfatase A; minus strand). Cytogenetic location: 22q13.33.
Variant type: Duplication.
Coding change: c.854+1dup on transcript NM_000487.6 (MANE Select); the canonical splice donor site of the intron after coding-DNA position 854, one base duplicated (G; older notation c.854+1dupG).
Molecular consequence: splice donor variant.
Genome position (GRCh38, 1-based): chr22:50,626,590, C duplicated on the plus strand (G on the coding strand, the reverse complement: ARSA is on the minus strand); the first of 3 consecutive C bases (chr22:50,626,590-50,626,592); duplicating any one gives the same sequence. VCF-style (leftmost placement, unchanged base first): chr22-50626589-A-AC. GRCh37 (hg19) VCF-style: chr22-51065017-A-AC.
Other names: c.596+1dup (NM_001362782.2, NM_001085428.3); c.854+1dup (NM_001085427.3, NM_001085426.3, NM_001085425.3).
Identifiers: ClinVar variation 3359213 (VCV003359213.3).

ClinVar aggregate classification (germline): Pathogenic (1 of 4 stars; one submission).

Conditions:
Metachromatic leukodystrophy (MLD). Also called: METACHROMATIC LEUKOENCEPHALOPATHY; SULFATIDE LIPIDOSIS; CEREBROSIDE SULFATASE DEFICIENCY; ARSA DEFICIENCY; Cerebral sclerosis diffuse metachromatic form; Arylsulfatase A Deficiency. Identifiers: Orphanet 512, MedGen C0023522, MONDO:0018868, OMIM 250100.

Submission:

Genetics Department, Hospital Ramon y Cajal-IRYCIS
Classification: Pathogenic for Metachromatic leukodystrophy. Last evaluated: 2024-09-20. Review status: criteria provided, single submitter. Criteria: ACMG Guidelines, 2015. Collection method: research. Allele origin: biparental. Inheritance: Autosomal recessive inheritance. Affected: yes. Observed: 5 variant alleles. Functional consequence: sequence_variant_affecting_splicing.
Comment: Functional assays show that c.854+1dup in transcript NM_000487 results in the incorporation of an additional guanine nucleotide at the end of exon 4. This creates a frameshift and the appearance of a premature stop codon (p.Pro286Thrfs*2), likely resulting in an absent or inactive arylsulfatase A (PVS1). The variant was not found in the gnomAD or 1000 Genome databases (PM2) and all splicing software predictors supported the loss of the original invariant GT splicing signal and its movement just one nucleotide downstream. The variant was evaluated according to ACMG/AMP rules and classified as pathogenic : PVS1, PM2, PP3

Literature cited by the submitters: DOI 10.3390/genes15121515.